The following is an entry in ClinVar:

NM_006929.5(SKIC2):c.3269T>C (p.Leu1090Pro)

Gene: SKIC2 (SKI2 subunit of superkiller complex; plus strand). Cytogenetic location: 6p21.33.
Variant type: single nucleotide variant.
Coding change: c.3269T>C on transcript NM_006929.5 (MANE Select); coding-DNA position 3269, T replaced by C.
Protein change: p.Leu1090Pro; replaces leucine 1090 with proline.
Molecular consequence: missense variant.
Genome position (GRCh38, 1-based): chr6:31,968,959, T>C. VCF-style: chr6-31968959-T-C. GRCh37 (hg19) VCF-style: chr6-31936736-T-C.
Other names: short protein forms L1090P.
Identifiers: ClinVar variation 2693274 (VCV002693274.3), dbSNP rs1186488558, ClinGen allele CA363487621.

ClinVar aggregate classification (germline): Uncertain significance (1 of 4 stars; one submission).

Submission:

Labcorp Genetics (formerly Invitae), Labcorp
Classification: Uncertain significance. Last evaluated: 2023-11-04. Review status: criteria provided, single submitter. Criteria: Invitae Variant Classification Sherloc (09022015). Collection method: clinical testing. Allele origin: germline.
Comment: This sequence change replaces leucine, which is neutral and non-polar, with proline, which is neutral and non-polar, at codon 1090 of the SKIV2L protein (p.Leu1090Pro). This variant is not present in population databases (gnomAD no frequency). This variant has not been reported in the literature in individuals affected with SKIV2L-related conditions. An algorithm developed to predict the effect of missense changes on protein structure and function (PolyPhen-2) suggests that this variant is likely to be disruptive. In summary, the available evidence is currently insufficient to determine the role of this variant in disease. Therefore, it has been classified as a Variant of Uncertain Significance.